The following is an entry in ClinVar:

NM_005739.4(RASGRP1):c.493C>T (p.His165Tyr)

Gene: RASGRP1 (RAS guanyl releasing protein 1; minus strand). Cytogenetic location: 15q14.
Variant type: single nucleotide variant.
Coding change: c.493C>T on transcript NM_005739.4 (MANE Select); coding-DNA position 493, C replaced by T.
Protein change: p.His165Tyr; replaces histidine 165 with tyrosine.
Molecular consequence: missense variant.
Genome position (GRCh38, 1-based): chr15:38,518,320, G>A on the plus strand (C>T on the coding strand, the complement: RASGRP1 is on the minus strand). VCF-style: chr15-38518320-G-A. GRCh37 (hg19) VCF-style: chr15-38810521-G-A.
Other names: c.493C>T, p.His165Tyr (NM_001128602.2, NM_001306086.2); short protein forms H165Y.
Identifiers: ClinVar variation 1040501 (VCV001040501.8), dbSNP rs192394608, ClinGen allele CA7471104.

ClinVar aggregate classification (germline): Uncertain significance (1 of 4 stars; one submission).

Allele frequency attached by ClinVar (database versions not stated): ExAC 0.00004; gnomAD exomes 0.00004 and 0.00013; TOPMed 0.00019; gnomAD 0.00031 and 0.00034; 1000 Genomes Project 0.00040; 1000 Genomes Project 30x 0.00062.
gnomAD v4.1: 115 of 1,610,524 alleles (0.0071%); highest among the groups gnomAD compares: Admixed American, 0.17%; no homozygotes.

Submission:

Labcorp Genetics (formerly Invitae), Labcorp
Classification: Uncertain significance. Last evaluated: 2023-04-28. Review status: criteria provided, single submitter. Criteria: Invitae Variant Classification Sherloc (09022015). Collection method: clinical testing. Allele origin: germline.
Comment: Advanced modeling of protein sequence and biophysical properties (such as structural, functional, and spatial information, amino acid conservation, physicochemical variation, residue mobility, and thermodynamic stability) has been performed at Invitae for this missense variant, however the output from this modeling did not meet the statistical confidence thresholds required to predict the impact of this variant on RASGRP1 protein function. This sequence change replaces histidine, which is basic and polar, with tyrosine, which is neutral and polar, at codon 165 of the RASGRP1 protein (p.His165Tyr). This variant is present in population databases (rs192394608, gnomAD 0.09%). This variant has not been reported in the literature in individuals affected with RASGRP1-related conditions. ClinVar contains an entry for this variant (Variation ID: 1040501). In summary, the available evidence is currently insufficient to determine the role of this variant in disease. Therefore, it has been classified as a Variant of Uncertain Significance.